The following is an entry in ClinVar:

NM_000179.3(MSH6):c.3438+5_3438+16del

Gene: MSH6 (mutS homolog 6; plus strand). Cytogenetic location: 2p16.3.
Variant type: Deletion.
Coding change: c.3438+5_3438+16del on transcript NM_000179.3 (MANE Select); bases 5 to 16 of the intron after coding-DNA position 3438, 12 bases deleted (CTGATTCTTAAA).
Molecular consequence: intron variant.
Genome position (GRCh38, 1-based): chr2:47,803,690-47,803,701, CTGATTCTTAAA deleted; deleting any 12 consecutive bases within chr2:47,803,688-47,803,701 gives the same sequence; the c. name uses the placement nearest the transcript's 3' end. VCF-style (leftmost placement, unchanged base first): chr2-47803687-TAACTGATTCTTA-T. GRCh37 (hg19) VCF-style: chr2-48030826-TAACTGATTCTTA-T.
Other names: c.3438+5_3438+16del (NM_001406809.1, NM_001406796.1, NM_001406808.1 and 1 more transcripts); c.2532+5_2532+16del (NM_001406811.1, NM_001406814.1, NM_001281493.2 and 6 more transcripts); c.3141+5_3141+16del (NM_001406805.1, NM_001406797.1, NM_001406801.1 and 10 more transcripts); c.3534+5_3534+16del (NM_001406795.1, NM_001406802.1); c.3444+5_3444+16del (NM_001406813.1); c.2913+5_2913+16del (NM_001406807.1, NM_001406799.1, NM_001406806.1); c.3264+5_3264+16del (NM_001406798.1); c.2574+5_2574+16del (NM_001406803.1); and 7 more.
Identifiers: ClinVar variation 3875039 (VCV003875039.1).

ClinVar aggregate classification (germline): Uncertain significance (1 of 4 stars; one submission).

Conditions:
Hereditary cancer-predisposing syndrome. Also called: Tumor predisposition; Neoplastic Syndromes, Hereditary; Hereditary Cancer Syndrome; Hereditary neoplastic syndrome. Identifiers: Orphanet 140162, MedGen C0027672, MeSH D009386, MONDO:0015356.

Submission:

Ambry Genetics
Classification: Uncertain significance for Hereditary cancer-predisposing syndrome. Last evaluated: 2025-03-13. Review status: criteria provided, single submitter. Criteria: Ambry Variant Classification Scheme 2023. Collection method: clinical testing. Allele origin: germline.
Comment: The c.3438+5_3438+16del12 intronic variant, located in intron 5 of the MSH6 gene, results from a deletion of 12 nucleotides within intron 5 of the MSH6 gene. This nucleotide region is not well conserved in available vertebrate species. In silico splice site analysis predicts that this alteration will not have any significant effect on splicing. Based on the available evidence, the clinical significance of this variant remains unclear.